The following is an entry in ClinVar:

ClinVar aggregate classification (germline): Uncertain significance (1 of 4 stars; one submission).

Conditions:
Pyridoxal phosphate-responsive seizures (PNPOD). Also called: EPILEPTIC ENCEPHALOPATHY, NEONATAL, PNPO-RELATED; SEIZURES, PYRIDOXINE-RESISTANT, PLP-SENSITIVE; Pyridoxamine 5-Prime-Phosphate Oxidase Deficiency; Pyridoxine-5'-phosphate oxidase deficiency; Pyridoxal 5'-Phosphate (PLP)-Dependent Epilepsy. Identifiers: Orphanet 79096, MedGen C1864723, MONDO:0012407, OMIM 610090. Disease mechanism: loss of function.

Allele frequency attached by ClinVar (database versions not stated): gnomAD 0.00001; gnomAD exomes 0.00001.
gnomAD v4.1: 5 of 1,614,080 alleles (0.00031%); highest among the groups gnomAD compares: Non-Finnish European, 0.00042%; no homozygotes.

Submission:

Labcorp Genetics (formerly Invitae), Labcorp
Classification: Uncertain significance for Pyridoxal phosphate-responsive seizures. Last evaluated: 2021-08-24. Review status: criteria provided, single submitter. Criteria: Invitae Variant Classification Sherloc (09022015). Collection method: clinical testing. Allele origin: germline.
Comment: This sequence change replaces valine with leucine at codon 215 of the PNPO protein (p.Val215Leu). The valine residue is moderately conserved and there is a small physicochemical difference between valine and leucine. This variant is not present in population databases (ExAC no frequency). This variant has not been reported in the literature in individuals affected with PNPO-related conditions. Algorithms developed to predict the effect of missense changes on protein structure and function (SIFT, PolyPhen-2, Align-GVGD) all suggest that this variant is likely to be tolerated. In summary, the available evidence is currently insufficient to determine the role of this variant in disease. Therefore, it has been classified as a Variant of Uncertain Significance.

NM_018129.4(PNPO):c.643G>T (p.Val215Leu)

Gene: PNPO (pyridoxamine 5'-phosphate oxidase; plus strand). Cytogenetic location: 17q21.32.
Variant type: single nucleotide variant.
Coding change: c.643G>T on transcript NM_018129.4 (MANE Select); coding-DNA position 643, G replaced by T.
Protein change: p.Val215Leu; replaces valine 215 with leucine.
Molecular consequence: missense variant.
Genome position (GRCh38, 1-based): chr17:47,946,639, G>T. VCF-style: chr17-47946639-G-T. GRCh37 (hg19) VCF-style: chr17-46024005-G-T.
Other names: short protein forms V215L.
Identifiers: ClinVar variation 1063426 (VCV001063426.6), dbSNP rs1307726861, ClinGen allele CA400062196.